The following is an entry in ClinVar:

NM_012144.4(DNAI1):c.757C>T (p.Pro253Ser)

Gene: DNAI1 (dynein axonemal intermediate chain 1; plus strand). Cytogenetic location: 9p13.3.
Variant type: single nucleotide variant.
Coding change: c.757C>T on transcript NM_012144.4 (MANE Select); coding-DNA position 757, C replaced by T.
Protein change: p.Pro253Ser; replaces proline 253 with serine.
Molecular consequence: missense variant.
Genome position (GRCh38, 1-based): chr9:34,493,269, C>T. VCF-style: chr9-34493269-C-T. GRCh37 (hg19) VCF-style: chr9-34493267-C-T.
Other names: c.769C>T, p.Pro257Ser (NM_001281428.2); short protein forms P253S, P257S.
Identifiers: ClinVar variation 3603048 (VCV003603048.1).

ClinVar aggregate classification (germline): Uncertain significance (1 of 4 stars; one submission).

Submission:

GeneDx
Classification: Uncertain significance. Last evaluated: 2024-07-31. Review status: criteria provided, single submitter. Criteria: GeneDx Variant Classification Process June 2021. Collection method: clinical testing. Allele origin: germline. Affected: yes.
Comment: Not observed at significant frequency in large population cohorts (gnomAD); In silico analysis indicates that this missense variant does not alter protein structure/function; Has not been previously published as pathogenic or benign to our knowledge